The following is an entry in ClinVar:

ClinVar aggregate classification (germline): Benign/Likely benign. Review status: criteria provided, multiple submitters, no conflicts (2 of 4 stars). 4 submissions from 4 submitters: Benign (1); Likely benign (3). Last evaluated 2025-12-21.

Conditions:
Developmental and epileptic encephalopathy, 9 (DEE9). Also called: JUBERG-HELLMAN SYNDROME; EPILEPSY, FEMALE-RESTRICTED, WITH MENTAL RETARDATION; Early infantile epileptic encephalopathy 9; PCDH19-Related X-Linked Female-Limited Epilepsy with Mental Retardation. Identifiers: Orphanet 101039, Orphanet 2076, MedGen C1848137, MONDO:0010246, OMIM 300088. Disease mechanism: loss of function.

Allele frequency attached by ClinVar (database versions not stated): ExAC 0.00007; gnomAD exomes 0.00014; gnomAD 0.00026; TOPMed 0.00043.
gnomAD v4.1: 99 of 1,209,785 alleles (0.0082%); highest among the groups gnomAD compares: Admixed American, 0.096%; no homozygotes.

Submissions (4):

Labcorp Genetics (formerly Invitae), Labcorp
Classification: Likely benign for Developmental and epileptic encephalopathy, 9. Last evaluated: 2025-12-21. Review status: criteria provided, single submitter. Criteria: Invitae Variant Classification Sherloc (09022015). Collection method: clinical testing. Allele origin: germline.

Mayo Clinic Laboratories, Mayo Clinic
Classification: Likely benign. Last evaluated: 2025-08-29. Review status: criteria provided, single submitter. Criteria: ACMG Guidelines, 2015. Collection method: clinical testing. Allele origin: germline. Observed: 1 variant allele.
Comment: BS2, BP4, BP7

Blueprint Genetics
Classification: Likely benign. Last evaluated: 2024-05-20. Review status: criteria provided, single submitter. Criteria: ACMG Guidelines, 2015. Collection method: clinical testing. Allele origin: germline.

GeneDx
Classification: Benign. Last evaluated: 2014-06-10. Review status: criteria provided, single submitter. Criteria: GeneDx Variant Classification (06012015). Collection method: clinical testing. Allele origin: germline. Affected: yes.
Comment: This variant is considered likely benign or benign based on one or more of the following criteria: it is a conservative change, it occurs at a poorly conserved position in the protein, it is predicted to be benign by multiple in silico algorithms, and/or has population frequency not consistent with disease.

NM_001184880.2(PCDH19):c.1968T>A (p.Ala656=)

Gene: PCDH19 (protocadherin 19; minus strand). Cytogenetic location: Xq22.1.
Variant type: single nucleotide variant.
Coding change: c.1968T>A on transcript NM_001184880.2 (MANE Select); coding-DNA position 1968, T replaced by A.
Protein change: p.Ala656=; no amino-acid change (alanine 656 retained).
Molecular consequence: synonymous variant.
Genome position (GRCh38, 1-based): chrX:100,406,630, A>T on the plus strand (T>A on the coding strand, the complement: PCDH19 is on the minus strand). VCF-style: chrX-100406630-A-T. GRCh37 (hg19) VCF-style: chrX-99661628-A-T.
Other names: p.A656A:GCT>GCA; p.Ala656=; c.1968T>A, p.Ala656= (NM_001105243.2, NM_020766.3).
Identifiers: ClinVar variation 206300 (VCV000206300.14), dbSNP rs776150934, ClinGen allele CA316257.